The following is an entry in ClinVar:

NM_001377.3(DYNC2H1):c.2106+2T>C

Gene: DYNC2H1 (dynein cytoplasmic 2 heavy chain 1; plus strand). Cytogenetic location: 11q22.3.
Variant type: single nucleotide variant.
Coding change: c.2106+2T>C on transcript NM_001377.3 (MANE Select); the canonical splice donor site of the intron after coding-DNA position 2106, T replaced by C.
Molecular consequence: splice donor variant.
Genome position (GRCh38, 1-based): chr11:103,133,709, T>C. VCF-style: chr11-103133709-T-C. GRCh37 (hg19) VCF-style: chr11-103004438-T-C.
Other names: c.2106+2T>C (NM_001080463.2).
Identifiers: ClinVar variation 4813270 (VCV004813270.2).

ClinVar aggregate classification (germline): Likely pathogenic. Review status: criteria provided, multiple submitters, no conflicts (2 of 4 stars). 2 submissions from 2 submitters: Likely pathogenic (2). Last evaluated 2026-03-03.

Conditions:
Asphyxiating thoracic dystrophy 3. Also called: SHORT-RIB THORACIC DYSPLASIA 3 WITH OR WITHOUT POLYDACTYLY; POLYDACTYLY WITH NEONATAL CHONDRODYSTROPHY, TYPE I; SHORT-RIB THORACIC DYSPLASIA 3/6 WITH POLYDACTYLY, DIGENIC; Short rib polydactyly syndrome 2B; Saldino-Noonan Syndrome. Identifiers: Orphanet 474, Orphanet 93269, Orphanet 93270, Orphanet 93271, MedGen C0036069, MONDO:0013127, OMIM 613091.

gnomAD v4.1: 3 of 1,583,938 alleles (0.00019%); highest among the groups gnomAD compares: South Asian, 0.0012%; no homozygotes.

Submissions (2):

Women's Health and Genetics/Laboratory Corporation of America, LabCorp
Classification: Likely pathogenic for Asphyxiating thoracic dystrophy 3. Last evaluated: 2026-03-03. Review status: criteria provided, single submitter. Criteria: LabCorp Variant Classification Summary - May 2015. Collection method: clinical testing. Allele origin: germline.
Comment: Variant summary: DYNC2H1 c.2106+2T>C is located in a canonical splice-site and is predicted to affect mRNA splicing resulting in a significantly altered protein due to either exon skipping, shortening, or inclusion of intronic material. Variants that disrupt the consensus splice site are a relatively common cause of aberrant splicing and loss of DYNC2H1 function. Several computational tools predict a significant impact on normal splicing: One predict the variant no significant impact on splicing. Two predict the variant abolishes a 5' splicing donor site. However, these predictions have yet to be confirmed by functional studies. The variant was absent in 203290 control chromosomes. To our knowledge, no occurrence of c.2106+2T>C in individuals affected with DYNC2H1-related conditions and no experimental evidence demonstrating its impact on protein function have been reported. No submitters have cited clinical-significance assessments for this variant to ClinVar. Based on the evidence outlined above, the variant was classified as likely pathogenic.

GeneDx
Classification: Likely pathogenic. Last evaluated: 2025-09-08. Review status: criteria provided, single submitter. Criteria: GeneDx Variant Classification Process June 2021. Collection method: clinical testing. Allele origin: germline. Affected: yes.
Comment: Canonical splice site variant predicted to result in an in-frame loss of the adjacent exon in a gene for which loss of function is a known mechanism of disease; Not observed at significant frequency in large population cohorts (gnomAD); Has not been previously published as pathogenic or benign to our knowledge